The following is an entry in ClinVar:

ClinVar aggregate classification (germline): Uncertain significance (1 of 4 stars; one submission).

gnomAD v4.1: 17 of 1,612,958 alleles (0.0011%); highest among the groups gnomAD compares: East Asian, 0.0045%; no homozygotes.

Submission:

Labcorp Genetics (formerly Invitae), Labcorp
Classification: Uncertain significance. Last evaluated: 2024-10-09. Review status: criteria provided, single submitter. Criteria: Invitae Variant Classification Sherloc (09022015). Collection method: clinical testing. Allele origin: germline.
Comment: This sequence change replaces alanine, which is neutral and non-polar, with valine, which is neutral and non-polar, at codon 118 of the PDE8B protein (p.Ala118Val). This variant is present in population databases (no rsID available, gnomAD 0.0009%). This variant has not been reported in the literature in individuals affected with PDE8B-related conditions. An algorithm developed to predict the effect of missense changes on protein structure and function (PolyPhen-2) suggests that this variant is likely to be tolerated. In summary, the available evidence is currently insufficient to determine the role of this variant in disease. Therefore, it has been classified as a Variant of Uncertain Significance.

NM_003719.5(PDE8B):c.353C>T (p.Ala118Val)

Gene: PDE8B (phosphodiesterase 8B; plus strand). Cytogenetic location: 5q13.3.
Variant type: single nucleotide variant.
Coding change: c.353C>T on transcript NM_003719.5 (MANE Select); coding-DNA position 353, C replaced by T.
Protein change: p.Ala118Val; replaces alanine 118 with valine.
Molecular consequence: missense variant. On other transcripts: 5 prime UTR variant (6), intron variant (3).
Genome position (GRCh38, 1-based): chr5:77,312,007, C>T. VCF-style: chr5-77312007-C-T. GRCh37 (hg19) VCF-style: chr5-76607832-C-T.
Other names: c.353C>T, p.Ala118Val (NM_001029851.4, NM_001029852.4, NM_001029854.4 and 2 more transcripts); c.350C>T, p.Ala117Val (NM_001349748.3, NM_001349751.3, NM_001376065.1); c.416C>T, p.Ala139Val (NM_001349749.3); c.113C>T, p.Ala38Val (NM_001349750.3); c.47C>T, p.Ala16Val (NM_001349752.3, NM_001376071.1); c.-20C>T (NM_001349753.2, NM_001376067.1, NM_001376068.1 and 3 more transcripts); c.50C>T, p.Ala17Val (NM_001376062.1, NM_001376070.1, NM_001376072.1 and 1 more transcripts); c.110C>T, p.Ala37Val (NM_001376069.1); and 2 more; short protein forms A117V, A118V, A139V, A16V, A17V, A37V, A38V.
Identifiers: ClinVar variation 3618790 (VCV003618790.2).